The following is an entry in ClinVar:

NM_000535.7(PMS2):c.1718C>A (p.Thr573Asn)

Gene: PMS2 (PMS1 homolog 2, mismatch repair system component; minus strand). Cytogenetic location: 7p22.1.
Variant type: single nucleotide variant.
Coding change: c.1718C>A on transcript NM_000535.7 (MANE Select); coding-DNA position 1718, C replaced by A.
Protein change: p.Thr573Asn; replaces threonine 573 with asparagine.
Molecular consequence: missense variant. On other transcripts: non-coding transcript variant (1).
Genome position (GRCh38, 1-based): chr7:5,987,047, G>T on the plus strand (C>A on the coding strand, the complement: PMS2 is on the minus strand). VCF-style: chr7-5987047-G-T. GRCh37 (hg19) VCF-style: chr7-6026678-G-T.
Other names: c.1313C>A, p.Thr438Asn (NM_001322003.2, NM_001322004.2, NM_001322005.2 and 1 more transcripts); c.1562C>A, p.Thr521Asn (NM_001322006.2); c.1400C>A, p.Thr467Asn (NM_001322007.2, NM_001322008.2); c.1157C>A, p.Thr386Asn (NM_001322010.2); c.785C>A, p.Thr262Asn (NM_001322011.2, NM_001322012.2); c.1145C>A, p.Thr382Asn (NM_001322013.2); c.1718C>A, p.Thr573Asn (NM_001322014.2); c.1409C>A, p.Thr470Asn (NM_001322015.2); short protein forms T573N, T467N, T262N, T386N, T521N, T382N, T438N, T470N.
Identifiers: ClinVar variation 232923 (VCV000232923.20), dbSNP rs876660076, ClinGen allele CA10578664.

ClinVar aggregate classification (germline): Conflicting classifications of pathogenicity. Review status: criteria provided, conflicting classifications (1 of 4 stars). 6 submissions from 6 submitters: Uncertain significance (5); Likely benign (1). Last evaluated 2025-07-31.

Conditions:
Hereditary nonpolyposis colorectal neoplasms. Identifiers: MedGen C0009405, MeSH D003123.
Hereditary cancer-predisposing syndrome. Also called: Neoplastic Syndromes, Hereditary; Tumor predisposition; Hereditary Cancer Syndrome; Hereditary neoplastic syndrome. Identifiers: Orphanet 140162, MedGen C0027672, MeSH D009386, MONDO:0015356.
Lynch syndrome. Identifiers: Orphanet 144, MedGen C4552100, MONDO:0005835. Disease mechanism: loss of function.

Allele frequency attached by ClinVar (database versions not stated): gnomAD exomes below 0.00001 and 0.00001.
gnomAD v4.1: 3 of 1,614,170 alleles (0.00019%); highest among the groups gnomAD compares: Non-Finnish European, 0.00025%; no homozygotes.

Submissions (6):

Labcorp Genetics (formerly Invitae), Labcorp
Classification: Uncertain significance for Hereditary nonpolyposis colorectal neoplasms. Last evaluated: 2025-07-31. Review status: criteria provided, single submitter. Criteria: Invitae Variant Classification Sherloc (09022015). Collection method: clinical testing. Allele origin: germline.
Comment: This sequence change replaces threonine, which is neutral and polar, with asparagine, which is neutral and polar, at codon 573 of the PMS2 protein (p.Thr573Asn). This variant is present in population databases (no rsID available, gnomAD 0.0009%). This variant has not been reported in the literature in individuals affected with PMS2-related conditions. ClinVar contains an entry for this variant (Variation ID: 232923). Invitae Evidence Modeling incorporating data from in vitro experimental studies (internal data) indicates that this missense variant is not expected to disrupt PMS2 function with a negative predictive value of 95%. In summary, the available evidence is currently insufficient to determine the role of this variant in disease. Therefore, it has been classified as a Variant of Uncertain Significance.

Ambry Genetics
Classification: Likely benign for Hereditary cancer-predisposing syndrome. Last evaluated: 2024-11-05. Review status: criteria provided, single submitter. Criteria: Ambry Variant Classification Scheme 2023. Collection method: clinical testing. Allele origin: germline.

GeneDx
Classification: Uncertain significance. Last evaluated: 2023-12-26. Review status: criteria provided, single submitter. Criteria: GeneDx Variant Classification Process June 2021. Collection method: clinical testing. Allele origin: germline. Affected: yes.
Comment: Not observed at significant frequency in large population cohorts (gnomAD); In silico analysis supports that this missense variant does not alter protein structure/function; Observed in individuals with breast cancer (PMID: 33471991); This variant is associated with the following publications: (PMID: 31375768, 33471991)

All of Us Research Program, National Institutes of Health
Classification: Uncertain significance for Lynch syndrome. Last evaluated: 2022-11-28. Review status: criteria provided, single submitter. Criteria: ACMG Guidelines, 2015. Collection method: clinical testing. Allele origin: germline. Inheritance: Autosomal dominant inheritance. Observed: 1 variant allele, 1 heterozygote.
Comment: This missense variant replaces threonine with asparagine at codon 573 of the PMS2 protein. Computational prediction suggests that this variant may not impact protein structure and function (internally defined REVEL score threshold <= 0.5, PMID: 27666373). To our knowledge, functional studies have not been reported for this variant. This variant has not been reported in individuals affected with hereditary cancer in the literature. This variant has been identified in 1/251370 chromosomes in the general population by the Genome Aggregation Database (gnomAD). The available evidence is insufficient to determine the role of this variant in disease conclusively. Therefore, this variant is classified as a Variant of Uncertain Significance.

This study involves interpretation of variants in research participants for the purpose of population health screening. Participant phenotype was not available at the time of variant classification. Additional details can be found in publication PMID: 35346344, PMCID: PMC8962531

Sema4
Classification: Uncertain significance for Hereditary cancer-predisposing syndrome. Last evaluated: 2021-09-15. Review status: criteria provided, single submitter. Criteria: Sema4 Curation Guidelines. Collection method: curation. Allele origin: germline.
Comment: The PMS2 c.1718C>A (p.T573N) variant has been reported in at least two individuals with breast cancer (PMID: 33471991). It was observed in 1/113700 chromosomes of the Non-Finnish European subpopulation in the large and broad cohorts of the Genome Aggregation Database (PMID: 32461654). The variant has been reported in ClinVar (Variation ID: 232923). Functional studies have not been performed, and in silico predictions of the variant's effect on protein function are inconclusive. The evidence is insufficient to meet ACMG/AMP criteria for classifying the variant as benign or pathogenic. Thus, the clinical significance of this variant is currently uncertain.

Color Diagnostics, LLC DBA Color Health
Classification: Uncertain significance for Hereditary cancer-predisposing syndrome. Last evaluated: 2021-01-11. Review status: criteria provided, single submitter. Criteria: ACMG Guidelines, 2015. Collection method: clinical testing. Allele origin: germline.
Comment: This missense variant replaces threonine with asparagine at codon 573 of the PMS2 protein. Computational prediction suggests that this variant may not impact protein structure and function (internally defined REVEL score threshold <= 0.5, PMID: 27666373). To our knowledge, functional studies have not been reported for this variant. This variant has not been reported in individuals affected with hereditary cancer in the literature. This variant has been identified in 1/251370 chromosomes in the general population by the Genome Aggregation Database (gnomAD). The available evidence is insufficient to determine the role of this variant in disease conclusively. Therefore, this variant is classified as a Variant of Uncertain Significance.

Literature cited by the submitters: PubMed 31375768 (cited by Ambry Genetics); PubMed 33471991 (cited by Sema4).